The following is an entry in ClinVar:

NM_005228.5(EGFR):c.507C>G (p.Ser169Arg)

Gene: EGFR (epidermal growth factor receptor; plus strand). Cytogenetic location: 7p11.2.
Variant type: single nucleotide variant.
Coding change: c.507C>G on transcript NM_005228.5 (MANE Select); coding-DNA position 507, C replaced by G.
Protein change: p.Ser169Arg; replaces serine 169 with arginine.
Molecular consequence: missense variant. On other transcripts: intron variant (3).
Genome position (GRCh38, 1-based): chr7:55,146,688, C>G. VCF-style: chr7-55146688-C-G. GRCh37 (hg19) VCF-style: chr7-55214381-C-G.
Other names: c.507C>G, p.Ser169Arg (NM_001346898.2, NM_201282.2, NM_201283.2 and 1 more transcripts); c.348C>G, p.Ser116Arg (NM_001346900.2); c.424+3200C>G (NM_001346899.2, NM_001346897.2); c.89-9142C>G (NM_001346941.2); short protein forms S169R, S116R.
Identifiers: ClinVar variation 1472042 (VCV001472042.8), dbSNP rs1303069659, ClinGen allele CA367576640.

ClinVar aggregate classification (germline): Uncertain significance (1 of 4 stars; one submission).

Conditions:
EGFR-related lung cancer (EGFR). Identifiers: MedGen CN130014.

Submission:

Labcorp Genetics (formerly Invitae), Labcorp
Classification: Uncertain significance for EGFR-related lung cancer. Last evaluated: 2022-08-23. Review status: criteria provided, single submitter. Criteria: Invitae Variant Classification Sherloc (09022015). Collection method: clinical testing. Allele origin: germline.
Comment: This sequence change replaces serine, which is neutral and polar, with arginine, which is basic and polar, at codon 169 of the EGFR protein (p.Ser169Arg). This variant is not present in population databases (gnomAD no frequency). This variant has not been reported in the literature in individuals affected with EGFR-related conditions. ClinVar contains an entry for this variant (Variation ID: 1472042). In summary, the available evidence is currently insufficient to determine the role of this variant in disease. Therefore, it has been classified as a Variant of Uncertain Significance. Algorithms developed to predict the effect of missense changes on protein structure and function (SIFT, PolyPhen-2, Align-GVGD) all suggest that this variant is likely to be tolerated.